The following is an entry in ClinVar:

NM_022051.3(EGLN1):c.42C>A (p.Ser14Arg)

Gene: EGLN1 (egl-9 family hypoxia inducible factor 1; minus strand). Cytogenetic location: 1q42.2.
Variant type: single nucleotide variant.
Coding change: c.42C>A on transcript NM_022051.3 (MANE Select); coding-DNA position 42, C replaced by A.
Protein change: p.Ser14Arg; replaces serine 14 with arginine.
Molecular consequence: missense variant.
Genome position (GRCh38, 1-based): chr1:231,421,847, G>T on the plus strand (C>A on the coding strand, the complement: EGLN1 is on the minus strand). VCF-style: chr1-231421847-G-T. GRCh37 (hg19) VCF-style: chr1-231557593-G-T.
Other names: c.42C>A, p.Ser14Arg (NM_001377260.1, NM_001377261.1); short protein forms S14R.
Identifiers: ClinVar variation 3843880 (VCV003843880.1).

ClinVar aggregate classification (germline): Uncertain significance (1 of 4 stars; one submission).

Submission:

Ambry Genetics
Classification: Uncertain significance. Last evaluated: 2025-01-19. Review status: criteria provided, single submitter. Criteria: Ambry Variant Classification Scheme 2023. Collection method: clinical testing. Allele origin: germline.
Comment: The p.S14R variant (also known as c.42C>A), located in coding exon 1 of the EGLN1 gene, results from a C to A substitution at nucleotide position 42. The serine at codon 14 is replaced by arginine, an amino acid with dissimilar properties. This amino acid position is well conserved in available vertebrate species. In addition, this alteration is predicted to be tolerated by in silico analysis. The evidence for this gene-disease relationship is limited; therefore, the clinical significance of this alteration is unclear.